The following is an entry in ClinVar:

NM_000264.5(PTCH1):c.*1616A>C

Gene: PTCH1 (patched 1; minus strand). Cytogenetic location: 9q22.32.
Variant type: single nucleotide variant.
Coding change: c.*1616A>C on transcript NM_000264.5 (MANE Select); 1616 bases downstream of the stop codon, A replaced by C.
Molecular consequence: 3 prime UTR variant. On other transcripts: non-coding transcript variant (1).
Genome position (GRCh38, 1-based): chr9:95,444,777, T>G on the plus strand (A>C on the coding strand, the complement: PTCH1 is on the minus strand). VCF-style: chr9-95444777-T-G. GRCh37 (hg19) VCF-style: chr9-98207059-T-G.
Other names: c.*1616A>C (NM_001083602.3, NM_001083603.3, NM_001083604.3 and 4 more transcripts).
Identifiers: ClinVar variation 367642 (VCV000367642.7), dbSNP rs73540181, ClinGen allele CA10634175.

ClinVar aggregate classification (germline): Benign. Review status: criteria provided, multiple submitters, no conflicts (2 of 4 stars). 4 submissions from 3 submitters: Benign (4). Last evaluated 2019-06-15.

Conditions:
Holoprosencephaly 7 (HPE7). Identifiers: Orphanet 2162, MedGen C1835820, MONDO:0012562, OMIM 610828.
Gorlin syndrome. Also called: Basal cell nevus syndrome; Nevoid Basal Cell Carcinoma Syndrome. Identifiers: Orphanet 377, MedGen C0004779, MONDO:0007187.

Allele frequency attached by ClinVar (database versions not stated): gnomAD 0.04299 and 0.04606; TOPMed 0.04940; 1000 Genomes Project 0.05072; 1000 Genomes Project 30x 0.05575.

Submissions (4):

GeneDx
Classification: Benign. Last evaluated: 2019-06-15. Review status: criteria provided, single submitter. Criteria: GeneDx Variant Classification Process June 2021. Collection method: clinical testing. Allele origin: germline. Affected: yes.

Illumina Laboratory Services, Illumina
Classification: Benign for Basal cell nevus syndrome 1. Last evaluated: 2018-01-12. Review status: criteria provided, single submitter. Criteria: ICSL Variant Classification Criteria 13 December 2019. Collection method: clinical testing. Allele origin: germline.
Comment: This variant was observed in the ICSL laboratory as part of a predisposition screen in an ostensibly healthy population. It had not been previously curated by ICSL or reported in the Human Gene Mutation Database (HGMD: prior to June 1st, 2018), and was therefore a candidate for classification through an automated scoring system. Utilizing variant allele frequency, disease prevalence and penetrance estimates, and inheritance mode, an automated score was calculated to assess if this variant is too frequent to cause the disease. Based on the score and internal cut-off values, a variant classified as benign is not then subjected to further curation. The score for this variant resulted in a classification of benign for this disease.

Illumina Laboratory Services, Illumina
Classification: Benign for Holoprosencephaly 7. Last evaluated: 2018-01-12. Review status: criteria provided, single submitter. Criteria: ICSL Variant Classification Criteria 13 December 2019. Collection method: clinical testing. Allele origin: germline.
Comment: the same text as in the submission from Illumina Laboratory Services, Illumina above.

Breakthrough Genomics
Classification: Benign. Review status: criteria provided, single submitter. Criteria: ACMG Guidelines, 2015. Collection method: not provided. Allele origin: germline. Inheritance: Autosomal dominant inheritance. Affected: yes.